The following is an entry in ClinVar:

ClinVar aggregate classification (germline): Pathogenic. Review status: criteria provided, multiple submitters, no conflicts (2 of 4 stars). 3 submissions from 3 submitters: Pathogenic (2). 1 of the submissions does not count toward it. Last evaluated 2023-09-27.

Conditions:
GM1 gangliosidosis type 3. Also called: GANGLIOSIDOSIS, GENERALIZED GM1, ADULT TYPE; GANGLIOSIDOSIS, GENERALIZED GM1, CHRONIC TYPE; GANGLIOSIDOSIS, GENERALIZED GM1, TYPE III; GM1-GANGLIOSIDOSIS, TYPE III; Beta-galactosidase deficiency; Adult GM1 gangliosidosis. Identifiers: Orphanet 79257, MedGen C0268273, MONDO:0009262, OMIM 230650.
GM1 gangliosidosis type 2. Also called: GANGLIOSIDOSIS, GENERALIZED GM1, JUVENILE TYPE; GANGLIOSIDOSIS, GENERALIZED GM1, TYPE II; GM1-GANGLIOSIDOSIS, TYPE II; Juvenile GM>1< gangliosidosis; Gangliosidosis, Generalized GM1, Type 2. Identifiers: Orphanet 354, Orphanet 79256, MedGen C0268272, MONDO:0009261, OMIM 230600.
Infantile GM1 gangliosidosis. Also called: GM1 gangliosidosis type 1; GM1-gangliosidosis, type I; Gangliosidosis, generalized GM1, infantile form; GLB1 deficiency; Gangliosidosis, Generalized GM1, Type 1. Identifiers: Orphanet 354, Orphanet 79255, MedGen C0268271, MONDO:0009260, OMIM 230500.
Mucopolysaccharidosis, MPS-IV-B (MPS4B). Also called: Mucopolysaccharidosis type 4B; Mucopolysaccharidosis Type IVB (Morquio B Disease); MORQUIO SYNDROME B; Mucopolysaccharidosis type IVB (Morquio); MPS IVB; Mucopolysaccharidosis type IV B. Identifiers: Orphanet 309310, Orphanet 582, MedGen C0086652, MONDO:0009660, OMIM 253010.
GM1 gangliosidosis. Identifiers: Orphanet 354, MedGen C0085131, MONDO:0018149.

Allele frequency attached by ClinVar (database versions not stated): gnomAD exomes below 0.00001; ExAC 0.00001; gnomAD 0.00001.
gnomAD v4.1: 3 of 1,612,912 alleles (0.00019%); highest among the groups gnomAD compares: African/African-American, 0.004%; no homozygotes.

Submissions (3):

Labcorp Genetics (formerly Invitae), Labcorp
Classification: Pathogenic for Mucopolysaccharidosis, MPS-IV-B; GM1 gangliosidosis. Last evaluated: 2023-09-27. Review status: criteria provided, single submitter. Criteria: Invitae Variant Classification Sherloc (09022015). Collection method: clinical testing. Allele origin: germline.
Comment: For these reasons, this variant has been classified as Pathogenic. This variant disrupts the p.Arg590 amino acid residue in GLB1. Other variant(s) that disrupt this residue have been determined to be pathogenic (PMID: 16941474, 17309651, 17664528, 23430803). This suggests that this residue is clinically significant, and that variants that disrupt this residue are likely to be disease-causing. Experimental studies have shown that this premature translational stop signal affects GLB1 function (PMID: 20175788). Algorithms developed to predict the effect of variants on protein structure and function are not available or were not evaluated for this variant. ClinVar contains an entry for this variant (Variation ID: 557709). This premature translational stop signal has been observed in individual(s) with GM1-gangliosidosis (PMID: 21520340). This variant is present in population databases (rs778375259, gnomAD 0.007%). This sequence change creates a premature translational stop signal (p.Trp582*) in the GLB1 gene. While this is not anticipated to result in nonsense mediated decay, it is expected to disrupt the last 96 amino acid(s) of the GLB1 protein.

GeneDx
Classification: Pathogenic. Last evaluated: 2022-12-21. Review status: criteria provided, single submitter. Criteria: GeneDx Variant Classification Process June 2021. Collection method: clinical testing. Allele origin: germline. Affected: yes.
Comment: Observed in a patient reported to have infantile GM1-gangliosidosis who also possessed second GLB1 variant (Higaki et al., 2011); Nonsense variant predicted to result in protein truncation, as the last 96 amino acids are lost, and other loss-of-function variants have been reported downstream in HGMD; Published functional studies demonstrate a damaging effect (HIgaki et al., 2011); Not observed at significant frequency in large population cohorts (gnomAD); This variant is associated with the following publications: (PMID: 23337983, 20175788, 21520340, 10744681)

Counsyl
Classification: Likely pathogenic for Infantile GM1 gangliosidosis; GM1 gangliosidosis type 2; GM1 gangliosidosis type 3; Mucopolysaccharidosis, MPS-IV-B. Last evaluated: 2018-04-10. Review status: no assertion criteria provided. Collection method: clinical testing. Allele origin: unknown. Not counted in ClinVar's aggregate classification.

Literature cited by the submitters: PubMed 16941474 (cited by Labcorp Genetics (formerly Invitae), Labcorp); PubMed 17309651 (cited by Labcorp Genetics (formerly Invitae), Labcorp); PubMed 17664528 (cited by Labcorp Genetics (formerly Invitae), Labcorp); PubMed 23430803 (cited by Labcorp Genetics (formerly Invitae), Labcorp); PubMed 20175788 (cited by Labcorp Genetics (formerly Invitae), Labcorp and Counsyl); PubMed 21520340 (cited by Labcorp Genetics (formerly Invitae), Labcorp and Counsyl); PubMed 23337983 (cited by Counsyl); PubMed 10744681 (cited by Counsyl).

NM_000404.4(GLB1):c.1746G>A (p.Trp582Ter)

Gene: GLB1 (galactosidase beta 1; minus strand). Cytogenetic location: 3p22.3.
Variant type: single nucleotide variant.
Coding change: c.1746G>A on transcript NM_000404.4 (MANE Select); coding-DNA position 1746, G replaced by A.
Protein change: p.Trp582Ter; replaces tryptophan 582 with a stop codon.
Molecular consequence: nonsense. On other transcripts: intron variant (1).
Genome position (GRCh38, 1-based): chr3:32,997,333, C>T on the plus strand (G>A on the coding strand, the complement: GLB1 is on the minus strand). VCF-style: chr3-32997333-C-T. GRCh37 (hg19) VCF-style: chr3-33038825-C-T.
Other names: c.1656G>A, p.Trp552Ter (NM_001079811.3); c.1353G>A, p.Trp451Ter (NM_001135602.3); c.1890G>A, p.Trp630Ter (NM_001317040.2); c.1734+16723G>A (NM_001393580.1); short protein forms W582*, W630*, W451*, W552*.
Identifiers: ClinVar variation 557709 (VCV000557709.11), dbSNP rs778375259, ClinGen allele CA2299300.